The following is an entry in ClinVar:

ClinVar aggregate classification (germline): Uncertain significance (1 of 4 stars; one submission).

Conditions:
Aortic aneurysm, familial thoracic 7 (AAT7). Also called: AORTIC DISSECTION, FAMILIAL, WITH OR WITHOUT AORTIC ANEURYSM. Identifiers: MedGen C3151077, MONDO:0013418, OMIM 613780.

Submission:

Labcorp Genetics (formerly Invitae), Labcorp
Classification: Uncertain significance for Aortic aneurysm, familial thoracic 7. Last evaluated: 2022-01-26. Review status: criteria provided, single submitter. Criteria: Invitae Variant Classification Sherloc (09022015). Collection method: clinical testing. Allele origin: germline.
Comment: In summary, the available evidence is currently insufficient to determine the role of this variant in disease. Therefore, it has been classified as a Variant of Uncertain Significance. Advanced modeling of protein sequence and biophysical properties (such as structural, functional, and spatial information, amino acid conservation, physicochemical variation, residue mobility, and thermodynamic stability) performed at Invitae indicates that this missense variant is not expected to disrupt MYLK protein function. This variant has not been reported in the literature in individuals affected with MYLK-related conditions. This variant is not present in population databases (gnomAD no frequency). This sequence change replaces serine, which is neutral and polar, with cysteine, which is neutral and slightly polar, at codon 486 of the MYLK protein (p.Ser486Cys).

NM_053025.4(MYLK):c.1456A>T (p.Ser486Cys)

Gene: MYLK (myosin light chain kinase; minus strand). Cytogenetic location: 3q21.1.
Variant type: single nucleotide variant.
Coding change: c.1456A>T on transcript NM_053025.4 (MANE Select); coding-DNA position 1456, A replaced by T.
Protein change: p.Ser486Cys; replaces serine 486 with cysteine.
Molecular consequence: missense variant. On other transcripts: intron variant (2).
Genome position (GRCh38, 1-based): chr3:123,732,956, T>A on the plus strand (A>T on the coding strand, the complement: MYLK is on the minus strand). VCF-style: chr3-123732956-T-A. GRCh37 (hg19) VCF-style: chr3-123451803-T-A.
Other names: c.928A>T, p.Ser310Cys (NM_001321309.2); c.1456A>T, p.Ser486Cys (NM_053027.4); c.1309+731A>T (NM_053028.4, NM_053026.4); short protein forms S486C, S310C.
Identifiers: ClinVar variation 2089983 (VCV002089983.4), dbSNP rs771299009, ClinGen allele CA354237805.
Genomic context (GRCh38, chr3:123,732,956, plus strand): 5'-TTTCCACTTGGAGGGTCCAGCTACAGGACAGCTGGCCTTGGGCGTTGGAAGCAGTGCAGC[T>A]GTATGTCCCACTGTCCCTGGTCCGGGCTTTCAGCAGGCAGAGGTAATGGGAGCCAGCATC-3'
Protein context (NP_444253.3, residues 476-496): KARTRDSGTY[Ser486Cys]CTASNAQGQL